The following is an entry in ClinVar:

NM_004380.3(CREBBP):c.4067_4071del (p.Glu1356fs)

Gene: CREBBP (CREB binding lysine acetyltransferase; minus strand). Cytogenetic location: 16p13.3.
Variant type: Deletion.
Coding change: c.4067_4071del on transcript NM_004380.3 (MANE Select); coding-DNA positions 4067 to 4071, 5 bases deleted (AGGTT; older notation c.4067_4071delAGGTT).
Protein change: p.Glu1356fs; shifts the reading frame from glutamic acid 1356.
Molecular consequence: frameshift variant.
Genome position (GRCh38, 1-based): chr16:3,740,461-3,740,465, AACCT deleted on the plus strand (AGGTT on the coding strand, the reverse complement: CREBBP is on the minus strand). VCF-style (leftmost placement, unchanged base first): chr16-3740460-AAACCT-A. GRCh37 (hg19) VCF-style: chr16-3790461-AAACCT-A.
Other names: c.3953_3957del, p.Glu1318fs (NM_001079846.1); short protein forms E1318fs, E1356fs.
Identifiers: ClinVar variation 1708068 (VCV001708068.1), dbSNP rs2548370412, ClinGen allele CA2580091123.

ClinVar aggregate classification (germline): Likely pathogenic (1 of 4 stars; one submission).

Conditions:
Rubinstein-Taybi syndrome due to CREBBP mutations (RSTS1). Also called: RUBINSTEIN-TAYBI SYNDROME 1, INCOMPLETE; Rubinstein-Taybi syndrome 1; RUBINSTEIN SYNDROME; CREBBP-Related Rubinstein-Taybi Syndrome; BROAD THUMBS AND GREAT TOES, CHARACTERISTIC FACIES, AND IMPAIRED INTELLECTUAL DEVELOPMENT; BROAD THUMB-HALLUX SYNDROME. Identifiers: Orphanet 353277, Orphanet 783, MedGen C4551859, MONDO:0008393, OMIM 180849.

Submission:

Laboratory of Medical Genetics, National & Kapodistrian University of Athens
Classification: Likely pathogenic for Rubinstein-Taybi syndrome due to CREBBP mutations. Last evaluated: 2022-09-09. Review status: criteria provided, single submitter. Criteria: ACMG Guidelines, 2015. Collection method: clinical testing. Allele origin: germline. Affected: yes.
Comment: PVS1, PM2